The following is an entry in ClinVar:

ClinVar aggregate classification (germline): Conflicting classifications of pathogenicity. Review status: criteria provided, conflicting classifications (1 of 4 stars). 2 submissions from 2 submitters: Uncertain significance (1); Likely benign (1). Last evaluated 2023-03-23.

Conditions:
Hereditary cancer-predisposing syndrome. Also called: Tumor predisposition; Hereditary neoplastic syndrome; Neoplastic Syndromes, Hereditary; Hereditary Cancer Syndrome. Identifiers: Orphanet 140162, MedGen C0027672, MeSH D009386, MONDO:0015356.
Hereditary breast ovarian cancer syndrome. Also called: BRCA1- and BRCA2-Associated Hereditary Breast and Ovarian Cancer; Breast and ovarian cancer; Hereditary breast and ovarian cancer syndrome (HBOC); Hereditary breast and ovarian cancer; Hereditary breast and ovarian cancer syndrome; Hereditary breast and/or ovarian cancer syndrome. Identifiers: Orphanet 145, MedGen C0677776, MeSH D061325, MONDO:0003582. Disease mechanism: loss of function.

Allele frequency attached by ClinVar (database versions not stated): ExAC 0.00001.

Submissions (2):

University of Washington Department of Laboratory Medicine, University of Washington
Classification: Likely benign for Hereditary cancer-predisposing syndrome. Last evaluated: 2023-03-23. Review status: criteria provided, single submitter. Criteria: Dines et al. (Genet Med. 2020). Collection method: curation. Allele origin: germline.
Comment: Missense variant in a coldspot region where missense variants are very unlikely to be pathogenic (PMID:31911673).

BRCA1 coldspot (exon 11 using historical exon numbering). Reclassification based on statistical prior probability

Labcorp Genetics (formerly Invitae), Labcorp
Classification: Uncertain significance for Hereditary breast and ovarian cancer syndrome. Last evaluated: 2019-01-03. Review status: criteria provided, single submitter. Criteria: Invitae Variant Classification Sherloc (09022015). Collection method: clinical testing. Allele origin: germline.
Comment: This sequence change replaces lysine with glutamic acid at codon 748 of the BRCA1 protein (p.Lys748Glu). The lysine residue is moderately conserved and there is a small physicochemical difference between lysine and glutamic acid. This variant is present in population databases (rs760810832, ExAC 0.01%). This variant has not been reported in the literature in individuals with BRCA1-related conditions. Algorithms developed to predict the effect of missense changes on protein structure and function output the following: SIFT: "Tolerated"; PolyPhen-2: "Benign"; Align-GVGD: "Class C0". The glutamic acid amino acid residue is found in multiple mammalian species, suggesting that this missense change does not adversely affect protein function. These predictions have not been confirmed by published functional studies and their clinical significance is uncertain. In summary, the available evidence is currently insufficient to determine the role of this variant in disease. Therefore, it has been classified as a Variant of Uncertain Significance.

NM_007294.4(BRCA1):c.2242A>G (p.Lys748Glu)

Gene: BRCA1 (BRCA1 DNA repair associated; minus strand). Cytogenetic location: 17q21.31.
Variant type: single nucleotide variant.
Coding change: c.2242A>G on transcript NM_007294.4 (MANE Select); coding-DNA position 2242, A replaced by G.
Protein change: p.Lys748Glu; replaces lysine 748 with glutamic acid.
Molecular consequence: missense variant. On other transcripts: intron variant (137).
Genome position (GRCh38, 1-based): chr17:43,093,289, T>C on the plus strand (A>G on the coding strand, the complement: BRCA1 is on the minus strand). VCF-style: chr17-43093289-T-C. GRCh37 (hg19) VCF-style: chr17-41245306-T-C.
Other names: c.2242A>G, p.Lys748Glu (NM_001407602.1, NM_001407603.1, NM_001407605.1 and 30 more transcripts); c.2239A>G, p.Lys747Glu (NM_001407610.1, NM_001407611.1, NM_001407612.1 and 22 more transcripts); c.2029A>G, p.Lys677Glu (NM_001407571.1, NM_001407853.1, NM_001407894.1 and 9 more transcripts); c.2233A>G, p.Lys745Glu (NM_001407646.1, NM_001407647.1); c.2119A>G, p.Lys707Glu (NM_001407648.1, NM_001407664.1, NM_001407665.1 and 19 more transcripts); c.2116A>G, p.Lys706Glu (NM_001407649.1, NM_001407670.1, NM_001407671.1 and 11 more transcripts); c.2164A>G, p.Lys722Glu (NM_001407653.1, NM_001407654.1, NM_001407655.1 and 4 more transcripts); c.2161A>G, p.Lys721Glu (NM_001407659.1, NM_001407660.1, NM_001407661.1 and 1 more transcripts); and 41 more; short protein forms K701E, K748E, K452E, K621E, K681E, K707E, K580E, K620E.
Identifiers: ClinVar variation 665745 (VCV000665745.4), dbSNP rs760810832, ClinGen allele CA058714.
Genomic context (GRCh38, chr17:43,093,289, plus strand): 5'-TGCTACTCTCTACAGATCTTTCAGTTTGCAAAACCCTTTCTCCACTTAACATGAGATCTT[T>C]GGGGTCTTCAGCATTATTAGACACTTTAACTGTTTCTAGTTTCTCTTCTTTTTCTTCTCT-3'
Protein context (NP_009225.1, residues 738-758): VKVSNNAEDP[Lys748Glu]DLMLSGERVL